The following is an entry in ClinVar:

ClinVar aggregate classification (germline): Uncertain significance (1 of 4 stars; one submission).

Allele frequency attached by ClinVar (database versions not stated): TOPMed below 0.00001; gnomAD 0.00001.
gnomAD v4.1: 3 of 1,613,936 alleles (0.00019%); highest among the groups gnomAD compares: East Asian, 0.0045%; no homozygotes.

Submission:

Labcorp Genetics (formerly Invitae), Labcorp
Classification: Uncertain significance. Last evaluated: 2022-01-15. Review status: criteria provided, single submitter. Criteria: Invitae Variant Classification Sherloc (09022015). Collection method: clinical testing. Allele origin: germline.
Comment: This sequence change replaces glutamine, which is neutral and polar, with histidine, which is basic and polar, at codon 249 of the SCO2 protein (p.Gln249His). This variant is not present in population databases (gnomAD no frequency). This variant has not been reported in the literature in individuals affected with SCO2-related conditions. Algorithms developed to predict the effect of missense changes on protein structure and function are either unavailable or do not agree on the potential impact of this missense change (SIFT: "Deleterious"; PolyPhen-2: "Benign"; Align-GVGD: "Class C0"). In summary, the available evidence is currently insufficient to determine the role of this variant in disease. Therefore, it has been classified as a Variant of Uncertain Significance.

NM_005138.3(SCO2):c.747G>C (p.Gln249His)

Genes: NCAPH2 (non-SMC condensin II complex subunit H2; plus strand), SCO2 (synthesis of cytochrome C oxidase 2; minus strand). Cytogenetic location: 22q13.33.
Variant type: single nucleotide variant.
Coding change: c.747G>C on transcript NM_005138.3 (MANE Select); coding-DNA position 747, G replaced by C.
Protein change: p.Gln249His; replaces glutamine 249 with histidine.
Molecular consequence: missense variant. On other transcripts: 3 prime UTR variant (2).
Genome position (GRCh38, 1-based): chr22:50,523,665, C>G on the plus strand (G>C on the coding strand, the complement: SCO2 is on the minus strand). VCF-style: chr22-50523665-C-G. GRCh37 (hg19) VCF-style: chr22-50962094-C-G.
Other names: c.*290C>G (NM_001185011.2, NM_152299.4); c.747G>C, p.Gln249His (NM_001169109.2, NM_001169110.1, NM_001169111.2); short protein forms Q249H.
Identifiers: ClinVar variation 1923208 (VCV001923208.2), dbSNP rs780783257, ClinGen allele CA10321122.